The following is an entry in ClinVar:

ClinVar aggregate classification (germline): Benign. Review status: criteria provided, multiple submitters, no conflicts (2 of 4 stars). 3 submissions from 3 submitters: Benign (3). Last evaluated 2018-10-17.

Conditions:
Transcobalamin II deficiency (TCN2D). Also called: TC II DEFICIENCY; TCN2 DEFICIENCY; Transcolabamin II deficiency. Identifiers: Orphanet 859, MedGen C0342701, MONDO:0010149, OMIM 275350.

Allele frequency attached by ClinVar (database versions not stated): 1000 Genomes Project 0.11362; 1000 Genomes Project 30x 0.11384; gnomAD exomes 0.12481; TOPMed 0.13366; gnomAD 0.13500 and 0.13762.

Submissions (3):

GeneDx
Classification: Benign. Last evaluated: 2018-10-17. Review status: criteria provided, single submitter. Criteria: GeneDx Variant Classification Process June 2021. Collection method: clinical testing. Allele origin: germline. Affected: yes.

Illumina Laboratory Services, Illumina
Classification: Benign for Transcobalamin II deficiency. Last evaluated: 2018-01-13. Review status: criteria provided, single submitter. Criteria: ICSL Variant Classification Criteria 13 December 2019. Collection method: clinical testing. Allele origin: germline.
Comment: This variant was observed in the ICSL laboratory as part of a predisposition screen in an ostensibly healthy population. It had not been previously curated by ICSL or reported in the Human Gene Mutation Database (HGMD: prior to June 1st, 2018), and was therefore a candidate for classification through an automated scoring system. Utilizing variant allele frequency, disease prevalence and penetrance estimates, and inheritance mode, an automated score was calculated to assess if this variant is too frequent to cause the disease. Based on the score and internal cut-off values, a variant classified as benign is not then subjected to further curation. The score for this variant resulted in a classification of benign for this disease.

Breakthrough Genomics
Classification: Benign. Review status: criteria provided, single submitter. Criteria: ACMG Guidelines, 2015. Collection method: not provided. Allele origin: germline. Inheritance: Autosomal recessive inheritance. Affected: yes.

NM_000355.4(TCN2):c.*82C>T

Gene: TCN2 (transcobalamin 2; plus strand). Cytogenetic location: 22q12.2.
Variant type: single nucleotide variant.
Coding change: c.*82C>T on transcript NM_000355.4 (MANE Select); 82 bases downstream of the stop codon, C replaced by T.
Molecular consequence: 3 prime UTR variant.
Genome position (GRCh38, 1-based): chr22:30,626,603, C>T. VCF-style: chr22-30626603-C-T. GRCh37 (hg19) VCF-style: chr22-31022590-C-T.
Other names: c.*82C>T (NM_001184726.2).
Identifiers: ClinVar variation 341217 (VCV000341217.7), dbSNP rs12169610, ClinGen allele CA10645321.